The following is an entry in ClinVar:

ClinVar aggregate classification (germline): Uncertain significance. Review status: criteria provided, multiple submitters, no conflicts (2 of 4 stars). 4 submissions from 4 submitters: Uncertain significance (4). Last evaluated 2026-01-27.

Conditions:
Oligodontia-cancer predisposition syndrome. Also called: TOOTH AGENESIS-COLORECTAL CANCER SYNDROME. Identifiers: Orphanet 300576, MedGen C1837750, MONDO:0012075, OMIM 608615. Disease mechanism: loss of function.
Hereditary cancer-predisposing syndrome. Also called: Hereditary Cancer Syndrome; Hereditary neoplastic syndrome; Tumor predisposition; Neoplastic Syndromes, Hereditary. Identifiers: Orphanet 140162, MedGen C0027672, MeSH D009386, MONDO:0015356.

Allele frequency attached by ClinVar (database versions not stated): ExAC 0.00001; TOPMed 0.00004.
gnomAD v4.1: 24 of 1,613,834 alleles (0.0015%); highest among the groups gnomAD compares: African/African-American, 0.011%; no homozygotes.

Submissions (4):

Labcorp Genetics (formerly Invitae), Labcorp
Classification: Uncertain significance for Oligodontia-cancer predisposition syndrome. Last evaluated: 2026-01-27. Review status: criteria provided, single submitter. Criteria: Invitae Variant Classification Sherloc (09022015). Collection method: clinical testing. Allele origin: germline.
Comment: This sequence change replaces cysteine, which is neutral and slightly polar, with tryptophan, which is neutral and slightly polar, at codon 555 of the AXIN2 protein (p.Cys555Trp). This variant is present in population databases (rs562421443, gnomAD 0.01%). This variant has not been reported in the literature in individuals affected with AXIN2-related conditions. ClinVar contains an entry for this variant (Variation ID: 842068). Invitae Evidence Modeling of protein sequence and biophysical properties (such as structural, functional, and spatial information, amino acid conservation, physicochemical variation, residue mobility, and thermodynamic stability) indicates that this missense variant is not expected to disrupt AXIN2 protein function with a negative predictive value of 80%. In summary, the available evidence is currently insufficient to determine the role of this variant in disease. Therefore, it has been classified as a Variant of Uncertain Significance.

Ambry Genetics
Classification: Uncertain significance for Hereditary cancer-predisposing syndrome. Last evaluated: 2025-05-31. Review status: criteria provided, single submitter. Criteria: Ambry Variant Classification Scheme 2023. Collection method: clinical testing. Allele origin: germline.
Comment: The p.C555W variant (also known as c.1665C>G), located in coding exon 5 of the AXIN2 gene, results from a C to G substitution at nucleotide position 1665. The cysteine at codon 555 is replaced by tryptophan, an amino acid with highly dissimilar properties. This amino acid position is well conserved in available vertebrate species. In addition, this alteration is predicted to be tolerated by in silico analysis. Since supporting evidence is limited at this time, the clinical significance of this alteration remains unclear.

Mayo Clinic Laboratories, Mayo Clinic
Classification: Uncertain significance. Last evaluated: 2022-03-09. Review status: criteria provided, single submitter. Criteria: ACMG Guidelines, 2015. Collection method: clinical testing. Allele origin: germline. Observed: 1 variant allele.
Comment: BP4

GeneDx
Classification: Uncertain significance. Last evaluated: 2019-07-16. Review status: criteria provided, single submitter. Criteria: GeneDx Variant Classification Process June 2021. Collection method: clinical testing. Allele origin: germline. Affected: yes.
Comment: Not observed in large population cohorts (Lek et al., 2016); In silico analysis, which includes protein predictors and evolutionary conservation, supports a deleterious effect; Has not been previously published as pathogenic or benign to our knowledge

NM_004655.4(AXIN2):c.1665C>G (p.Cys555Trp)

Gene: AXIN2 (axin 2; minus strand). Cytogenetic location: 17q24.1.
Variant type: single nucleotide variant.
Coding change: c.1665C>G on transcript NM_004655.4 (MANE Select); coding-DNA position 1665, C replaced by G.
Protein change: p.Cys555Trp; replaces cysteine 555 with tryptophan.
Molecular consequence: missense variant.
Genome position (GRCh38, 1-based): chr17:65,537,371, G>C on the plus strand (C>G on the coding strand, the complement: AXIN2 is on the minus strand). VCF-style: chr17-65537371-G-C. GRCh37 (hg19) VCF-style: chr17-63533489-G-C.
Other names: p.Cys555Trp; c.1665C>G, p.Cys555Trp (NM_001363813.1); short protein forms C555W.
Identifiers: ClinVar variation 842068 (VCV000842068.14), dbSNP rs562421443, ClinGen allele CA8718581.